The following is an entry in ClinVar:

NM_001005273.3(CHD3):c.3029G>A (p.Arg1010Gln)

Gene: CHD3 (chromodomain helicase DNA binding protein 3; plus strand). Cytogenetic location: 17p13.1.
Variant type: single nucleotide variant.
Coding change: c.3029G>A on transcript NM_001005273.3 (MANE Select); coding-DNA position 3029, G replaced by A.
Protein change: p.Arg1010Gln; replaces arginine 1010 with glutamine.
Molecular consequence: missense variant.
Genome position (GRCh38, 1-based): chr17:7,900,902, G>A. VCF-style: chr17-7900902-G-A. GRCh37 (hg19) VCF-style: chr17-7804220-G-A.
Other names: c.3206G>A, p.Arg1069Gln (NM_001005271.3); c.3029G>A, p.Arg1010Gln (NM_005852.4); short protein forms R1010Q, R1069Q.
Identifiers: ClinVar variation 3897326 (VCV003897326.1).

ClinVar aggregate classification (germline): Uncertain significance (1 of 4 stars; one submission).

Submission:

GeneDx
Classification: Uncertain significance. Last evaluated: 2024-10-31. Review status: criteria provided, single submitter. Criteria: GeneDx Variant Classification Process June 2021. Collection method: clinical testing. Allele origin: germline. Affected: yes.
Comment: Not observed at significant frequency in large population cohorts (gnomAD); In silico analysis indicates that this missense variant does not alter protein structure/function; Has not been previously published as pathogenic or benign to our knowledge